The following is an entry in ClinVar:

NC_000008.10:g.(?_17915043)_(17941567_?)dup

Gene: ASAH1 (N-acylsphingosine amidohydrolase 1; minus strand). Cytogenetic location: 8p22.
Variant type: Duplication.
Identifiers: ClinVar variation 1448298 (VCV001448298.1).

ClinVar aggregate classification (germline): Uncertain significance (1 of 4 stars; one submission).

Submission:

Labcorp Genetics (formerly Invitae), Labcorp
Classification: Uncertain significance. Last evaluated: 2020-12-31. Review status: criteria provided, single submitter. Criteria: Invitae Variant Classification Sherloc (09022015). Collection method: clinical testing. Allele origin: germline.
Comment: A copy number gain of the genomic region encompassing the full coding sequence of the ASAH1 gene has been identified. The boundaries of this event are unknown as they extend beyond the assayed region for this gene and therefore may encompass additional genes. As the precise location of this event is unknown, it may be in tandem or it may be located elsewhere in the genome. This variant has not been reported in the literature in individuals with ASAH1-related conditions. In summary, the available evidence is currently insufficient to determine the role of this variant in disease. Therefore, it has been classified as a Variant of Uncertain Significance.